The following is an entry in ClinVar:

NM_007294.4(BRCA1):c.1356del (p.Glu453fs)

Gene: BRCA1 (BRCA1 DNA repair associated; minus strand). Cytogenetic location: 17q21.31.
Variant type: Deletion.
Coding change: c.1356del on transcript NM_007294.4 (MANE Select); coding-DNA position 1356, one base deleted (A; older notation c.1356delA).
Protein change: p.Glu453fs; shifts the reading frame from glutamic acid 453.
Molecular consequence: frameshift variant. On other transcripts: intron variant (137).
Genome position (GRCh38, 1-based): chr17:43,094,175, T deleted on the plus strand (A on the coding strand, the reverse complement: BRCA1 is on the minus strand). VCF-style (leftmost placement, unchanged base first): chr17-43094174-CT-C. GRCh37 (hg19) VCF-style: chr17-41246191-CT-C.
Other names: 1475delA; c.1143del, p.Glu382fs (NM_001407571.1, NM_001407853.1, NM_001407894.1 and 9 more transcripts); c.1356del, p.Glu453fs (NM_001407581.1, NM_001407582.1, NM_001407583.1 and 30 more transcripts); c.1353del, p.Glu452fs (NM_001407587.1, NM_001407590.1, NM_001407591.1 and 22 more transcripts); c.1347del, p.Glu450fs (NM_001407646.1, NM_001407647.1); c.1233del, p.Glu412fs (NM_001407648.1, NM_001407664.1, NM_001407665.1 and 19 more transcripts); c.1230del, p.Glu411fs (NM_001407649.1, NM_001407670.1, NM_001407671.1 and 11 more transcripts); c.1278del, p.Glu427fs (NM_001407653.1, NM_001407654.1, NM_001407655.1 and 4 more transcripts); and 41 more; short protein forms E453fs, E406fs, E157fs, E341fs, E382fs, E411fs, E450fs, E452fs.
Identifiers: ClinVar variation 125495 (VCV000125495.5), dbSNP rs80357939, ClinGen allele CA000902.
Genomic context (GRCh38, chr17:43,094,174, plus strand): 5'-TGGGGAGGCTTGCCTTCTTCCGATAGGTTTTCCCAAATATTTTGTCTTCAATATTACTCT[CT>C]ACTGATTTGGAGTGAACTCTTTCACTTTTACATATTAAAGCCTCATGAGGATCACTGGCC-3'

ClinVar aggregate classification (germline): Pathogenic. Review status: reviewed by expert panel (3 of 4 stars). 5 submissions from 5 submitters: Pathogenic (1). 4 of the submissions do not count toward it. Last evaluated 2016-09-08.

Conditions:
Hereditary breast ovarian cancer syndrome. Also called: Hereditary breast and/or ovarian cancer syndrome; Breast and ovarian cancer; Hereditary breast and ovarian cancer syndrome; Hereditary breast and ovarian cancer; Hereditary breast and ovarian cancer syndrome (HBOC); BRCA1- and BRCA2-Associated Hereditary Breast and Ovarian Cancer. Identifiers: Orphanet 145, MedGen C0677776, MeSH D061325, MONDO:0003582. Disease mechanism: loss of function.
Breast-ovarian cancer, familial, susceptibility to, 1 (BROVCA1). Also called: BRCA1 Hereditary Breast and Ovarian Cancer; OVARIAN CANCER, SUSCEPTIBILITY TO. Identifiers: Orphanet 145, MedGen C2676676, MONDO:0011450, OMIM 604370. Disease mechanism: loss of function.

Allele frequency attached by ClinVar (database versions not stated): gnomAD exomes below 0.00001.

Submissions (5):

Evidence-based Network for the Interpretation of Germline Mutant Alleles (ENIGMA)
Classification: Pathogenic for Breast-ovarian cancer, familial, susceptibility to, 1. Last evaluated: 2016-09-08. Review status: reviewed by expert panel. Criteria: ENIGMA BRCA1/2 Classification Criteria (2015). Collection method: curation. Allele origin: germline.
Comment: Variant allele predicted to encode a truncated non-functional protein.

Laboratory for Molecular Medicine, Mass General Brigham Personalized Medicine
Classification: Likely pathogenic for Hereditary breast ovarian cancer syndrome. Last evaluated: 2019-10-14. Review status: criteria provided, single submitter. Criteria: ACMG Guidelines, 2015. Collection method: clinical testing. Allele origin: germline. Not counted in ClinVar's aggregate classification.
Comment: The p.Glu453ArgfsX22 variant in BRCA1 has not been previously reported in individuals with hereditary breast and/or ovarian cancer (HBOC) and was absent from large population studies, but has been reported in ClinVar (Variation ID: 125495). This variant is predicted to cause a frameshift, which alters the protein’s amino acid sequence beginning at position 453 and leads to a premature termination codon 22 amino acids downstream. This alteration is then predicted to lead to a truncated or absent protein. Loss of function of the BRCA1 gene is an established disease mechanism in autosomal dominant HBOC. In summary, although additional studies are required to fully establish its clinical significance, this variant meets criteria to be classified as likely pathogenic for autosomal dominant HBOC. ACMG/AMP Criteria applied: PVS1, PM2.

Consortium of Investigators of Modifiers of BRCA1/2 (CIMBA), c/o University of Cambridge
Classification: Pathogenic for Breast-ovarian cancer, familial, susceptibility to, 1. Last evaluated: 2015-10-02. Review status: criteria provided, single submitter. Criteria: CIMBA Mutation Classification guidelines May 2016. Collection method: clinical testing. Allele origin: germline. Not counted in ClinVar's aggregate classification.

Research Molecular Genetics Laboratory, Women's College Hospital, University of Toronto
Classification: Pathogenic for Hereditary breast ovarian cancer syndrome. Last evaluated: 2014-01-31. Review status: no assertion criteria provided. Collection method: research. Allele origin: germline. Affected: yes. Study: The Canadian Open Genetics Repository (COGR). Not counted in ClinVar's aggregate classification.

Breast Cancer Information Core (BIC) (BRCA1)
Classification: Pathogenic for Breast-ovarian cancer, familial 1. Last evaluated: 2003-12-23. Review status: no assertion criteria provided. Collection method: clinical testing. Allele origin: germline. Affected: yes. Observed: 1 variant allele. Not counted in ClinVar's aggregate classification.